The following is an entry in ClinVar:

ClinVar aggregate classification (germline): Uncertain significance (1 of 4 stars; one submission).

Allele frequency attached by ClinVar (database versions not stated): gnomAD exomes below 0.00001.

Submission:

GeneDx
Classification: Uncertain significance. Last evaluated: 2022-03-15. Review status: criteria provided, single submitter. Criteria: GeneDx Variant Classification Process June 2021. Collection method: clinical testing. Allele origin: germline. Affected: yes.
Comment: Not observed at significant frequency in large population cohorts (gnomAD); In silico analysis supports that this missense variant has a deleterious effect on protein structure/function; Has not been previously published as pathogenic or benign to our knowledge

NM_004606.5(TAF1):c.694C>T (p.Pro232Ser)

Gene: TAF1 (TATA-box binding protein associated factor 1; plus strand). Cytogenetic location: Xq13.1.
Variant type: single nucleotide variant.
Coding change: c.694C>T on transcript NM_004606.5 (MANE Select); coding-DNA position 694, C replaced by T.
Protein change: p.Pro232Ser; replaces proline 232 with serine.
Molecular consequence: missense variant. On other transcripts: non-coding transcript variant (9).
Genome position (GRCh38, 1-based): chrX:71,377,171, C>T. VCF-style: chrX-71377171-C-T. GRCh37 (hg19) VCF-style: chrX-70597021-C-T.
Other names: c.694C>T, p.Pro232Ser (NM_001286074.2); c.631C>T, p.Pro211Ser (NM_138923.4); short protein forms P211S, P232S, P252S.
Identifiers: ClinVar variation 1706338 (VCV001706338.2), dbSNP rs2520125844, ClinGen allele CA413506657.